The following is an entry in ClinVar:

NM_001005242.3(PKP2):c.462C>G (p.Ser154Arg)

Gene: PKP2 (plakophilin 2; minus strand). Cytogenetic location: 12p11.21.
Variant type: single nucleotide variant.
Coding change: c.462C>G on transcript NM_001005242.3 (MANE Select); coding-DNA position 462, C replaced by G.
Protein change: p.Ser154Arg; replaces serine 154 with arginine.
Molecular consequence: missense variant.
Genome position (GRCh38, 1-based): chr12:32,878,418, G>C on the plus strand (C>G on the coding strand, the complement: PKP2 is on the minus strand). VCF-style: chr12-32878418-G-C. GRCh37 (hg19) VCF-style: chr12-33031352-G-C.
Other names: c.462C>G, p.Ser154Arg (NM_004572.4); short protein forms S154R.
Identifiers: ClinVar variation 45078 (VCV000045078.19), dbSNP rs397517026, ClinGen allele CA012333.

ClinVar aggregate classification (germline): Uncertain significance. Review status: criteria provided, multiple submitters, no conflicts (2 of 4 stars). 7 submissions from 7 submitters: Uncertain significance (7). Last evaluated 2025-12-08.

Conditions:
Cardiovascular phenotype. Identifiers: MedGen CN230736.
Arrhythmogenic right ventricular cardiomyopathy (ARVD). Also called: Arrhythmogenic right ventricular dysplasia; Arrhythmogenic cardiomyopathy; Arrhythmogenic Right Ventricular Cardiomyopathy (ARVC); Cardiomyopathy, ARVC. Identifiers: Orphanet 247, MedGen C0349788, MeSH D019571, MONDO:0016587. Disease mechanism: loss of function. Inheritance: Various modes of inheritance.
Cardiomyopathy (CMYO). Also called: Cardiomyopathies. Identifiers: Orphanet 167848, MedGen C0878544, MONDO:0004994, HP:0001638. Inheritance: Various modes of inheritance.
Arrhythmogenic right ventricular dysplasia 9 (ARVD9). Also called: ARRHYTHMOGENIC RIGHT VENTRICULAR DYSPLASIA, FAMILIAL, 9; Arrhythmogenic Right Ventricular Dysplasia/Cardiomyopathy 9. Identifiers: MedGen C1836906, MONDO:0012180, OMIM 609040.

Allele frequency attached by ClinVar (database versions not stated): gnomAD exomes below 0.00001 and 0.00001; ExAC 0.00001; gnomAD 0.00001; TOPMed 0.00001.
gnomAD v4.1: 11 of 1,613,940 alleles (0.00068%); highest among the groups gnomAD compares: Non-Finnish European, 0.00093%; no homozygotes.

Submissions (7):

Women's Health and Genetics/Laboratory Corporation of America, LabCorp
Classification: Uncertain significance. Last evaluated: 2025-12-08. Review status: criteria provided, single submitter. Criteria: LabCorp Variant Classification Summary - May 2015. Collection method: clinical testing. Allele origin: germline.
Comment: Variant summary: PKP2 c.462C>G (p.Ser154Arg) results in a non-conservative amino acid change in the encoded protein sequence. Algorithms developed to predict the effect of missense changes on protein structure and function are either unavailable or do not agree on the potential impact of this missense change. The variant allele was found at a frequency of 4e-06 in 251436 control chromosomes. The available data on variant occurrences in the general population are insufficient to allow any conclusion about variant significance. c.462C>G has been observed in individual(s) affected with DCM/Cardiomyopathy. These report(s) do not provide unequivocal conclusions about association of the variant with Arrhythmogenic Right Ventricular Dysplasia/Cardiomyopathy. Co-occurrences with other pathogenic variant(s) have been reported (DSP c.2848_2849insA, p.Ile950AsnfsX3). To our knowledge, no experimental evidence demonstrating an impact on protein function has been reported. The following publications have been ascertained in the context of this evaluation (PMID: 24503780, 27532257). ClinVar contains an entry for this variant (Variation ID: 45078). Based on the evidence outlined above, the variant was classified as uncertain significance.

Labcorp Genetics (formerly Invitae), Labcorp
Classification: Uncertain significance for Arrhythmogenic right ventricular dysplasia 9. Last evaluated: 2025-03-05. Review status: criteria provided, single submitter. Criteria: Invitae Variant Classification Sherloc (09022015). Collection method: clinical testing. Allele origin: germline.
Comment: This sequence change replaces serine, which is neutral and polar, with arginine, which is basic and polar, at codon 154 of the PKP2 protein (p.Ser154Arg). This variant is present in population databases (rs397517026, gnomAD 0.002%). This missense change has been observed in individual(s) with dilated cardiomyopathy (PMID: 27532257). ClinVar contains an entry for this variant (Variation ID: 45078). An algorithm developed to predict the effect of missense changes on protein structure and function (PolyPhen-2) suggests that this variant is likely to be tolerated. In summary, the available evidence is currently insufficient to determine the role of this variant in disease. Therefore, it has been classified as a Variant of Uncertain Significance.

All of Us Research Program, National Institutes of Health
Classification: Uncertain significance for Arrhythmogenic right ventricular cardiomyopathy. Last evaluated: 2024-07-10. Review status: criteria provided, single submitter. Criteria: ACMG Guidelines, 2015. Collection method: clinical testing. Allele origin: germline. Inheritance: Autosomal dominant inheritance. Observed: 4 variant alleles, 4 heterozygotes.
Comment: This missense variant replaces serine with arginine at codon 154 of the PKP2 protein. Computational prediction suggests that this variant may not impact protein structure and function (internally defined REVEL score threshold <= 0.5, PMID: 27666373). To our knowledge, functional studies have not been reported for this variant. This variant has been reported in an individual affected with dilated cardiomyopathy (PMID: 27532257). This variant has been identified in 2/282824 chromosomes in the general population by the Genome Aggregation Database (gnomAD). The available evidence is insufficient to determine the role of this variant in disease conclusively. Therefore, this variant is classified as a Variant of Uncertain Significance.

This study involves interpretation of variants in research participants for the purpose of population health screening. Participant phenotype was not available at the time of variant classification. Additional details can be found in publication PMID: 35346344, PMCID: PMC8962531

Color Diagnostics, LLC DBA Color Health
Classification: Uncertain significance for Cardiomyopathy. Last evaluated: 2024-06-20. Review status: criteria provided, single submitter. Criteria: ACMG Guidelines, 2015. Collection method: clinical testing. Allele origin: germline.
Comment: This missense variant replaces serine with arginine at codon 154 of the PKP2 protein. Computational prediction suggests that this variant may not impact protein structure and function (internally defined REVEL score threshold <= 0.5, PMID: 27666373). To our knowledge, functional studies have not been reported for this variant. This variant has been reported in an individual affected with dilated cardiomyopathy (PMID: 27532257). This variant has been identified in 2/282824 chromosomes in the general population by the Genome Aggregation Database (gnomAD). The available evidence is insufficient to determine the role of this variant in disease conclusively. Therefore, this variant is classified as a Variant of Uncertain Significance.

Ambry Genetics
Classification: Uncertain significance for Cardiovascular phenotype. Last evaluated: 2021-04-15. Review status: criteria provided, single submitter. Criteria: Ambry Variant Classification Scheme 2023. Collection method: clinical testing. Allele origin: germline.

GeneDx
Classification: Uncertain significance. Last evaluated: 2019-07-12. Review status: criteria provided, single submitter. Criteria: GeneDx Variant Classification Process June 2021. Collection method: clinical testing. Allele origin: germline. Affected: yes.
Comment: Identified in a patient with DCM in published literature (Walsh et al., 2017); Reported in ClinVar as a variant of uncertain significance (ClinVar Variant ID# 45078; Landrum et al., 2016); Not observed at a significant frequency in large population cohorts (Lek et al., 2016); In silico analysis, which includes protein predictors and evolutionary conservation, supports that this variant does not alter protein structure/function; This variant is associated with the following publications: (PMID: 27532257)

Laboratory for Molecular Medicine, Mass General Brigham Personalized Medicine
Classification: Uncertain significance. Last evaluated: 2012-05-25. Review status: criteria provided, single submitter. Criteria: LMM Criteria. Collection method: clinical testing. Allele origin: germline. Observed: 1 variant allele.
Comment: Variant classified as Uncertain Significance - Favor Benign. The Ser154Arg varia nt in PKP2 has not been reported in the literature nor previously identified by our laboratory. Serine (Ser) at position 154 is conserved in mammals, but not in lower species and frog carries an arginine (Arg; this variant). In addition, co mputational analyses (biochemical amino acid properties, AlignGVGD, PolyPhen2, a nd SIFT) suggest that the Ser154Arg variant may not impact the protein, though t his information is not predictive enough to rule out pathogenicity. This variant is more likely benign but additional information is needed to establish this wi th confidence.

Literature cited by the submitters: PubMed 24503780 (cited by Women's Health and Genetics/Laboratory Corporation of America, LabCorp); PubMed 27532257 (cited by 4 submitters).